The following is an entry in ClinVar:

ClinVar aggregate classification (germline): Likely benign. Review status: criteria provided, multiple submitters, no conflicts (2 of 4 stars). 3 submissions from 3 submitters: Likely benign (3). Last evaluated 2025-11-01.

Conditions:
PKD1-related disorder. Also called: PKD1-related condition.
Polycystic kidney disease, adult type (PKD1). Also called: Polycystic Kidney Disease 1, Autosomal Dominant; Polycystic kidney disease 1; Polycystic kidney disease 1, severe; POLYCYSTIC KIDNEY DISEASE 1 WITH OR WITHOUT POLYCYSTIC LIVER DISEASE; Polycystic Kidney, Autosomal Dominant; POLYCYSTIC KIDNEY DISEASE, ADULT, TYPE I. Identifiers: MedGen C3149841, MONDO:0008263, OMIM 173900.

gnomAD v4.1: 45 of 1,610,614 alleles (0.0028%); highest among the groups gnomAD compares: East Asian, 0.042%; no homozygotes.

Submissions (3):

PreventionGenetics, part of Exact Sciences
Classification: Likely benign for PKD1-related condition. Last evaluated: 2025-11-01. Review status: criteria provided, single submitter. Criteria: ACMG Guidelines, 2015. Collection method: clinical testing. Allele origin: germline.
Comment: This variant is classified as likely benign based on ACMG/AMP sequence variant interpretation guidelines (Richards et al. 2015 PMID: 25741868, with internal and published modifications).

Department of Pathology and Laboratory Medicine, Sinai Health System
Classification: Likely benign for Polycystic kidney disease, adult type. Last evaluated: 2023-02-06. Review status: criteria provided, single submitter. Criteria: ACMG Guidelines, 2015. Collection method: clinical testing. Allele origin: germline. Affected: yes.

Blueprint Genetics
Classification: Likely benign. Last evaluated: 2022-08-16. Review status: criteria provided, single submitter. Criteria: ACMG Guidelines, 2015. Collection method: clinical testing. Allele origin: germline.

NM_001009944.3(PKD1):c.9636C>T (p.Phe3212=)

Gene: PKD1 (polycystin 1, transient receptor potential channel interacting; minus strand). Cytogenetic location: 16p13.3.
Variant type: single nucleotide variant.
Coding change: c.9636C>T on transcript NM_001009944.3 (MANE Select); coding-DNA position 9636, C replaced by T.
Protein change: p.Phe3212=; no amino-acid change (phenylalanine 3212 retained).
Molecular consequence: synonymous variant.
Genome position (GRCh38, 1-based): chr16:2,100,242, G>A on the plus strand (C>T on the coding strand, the complement: PKD1 is on the minus strand). VCF-style: chr16-2100242-G-A. GRCh37 (hg19) VCF-style: chr16-2150243-G-A.
Other names: c.9636C>T, p.Phe3212= (NM_000296.4).
Identifiers: ClinVar variation 3780339 (VCV003780339.3).